The following is an entry in ClinVar:

ClinVar aggregate classification (germline): Uncertain significance (1 of 4 stars; one submission).

Allele frequency attached by ClinVar (database versions not stated): TOPMed 0.00001.

Submission:

Labcorp Genetics (formerly Invitae), Labcorp
Classification: Uncertain significance. Last evaluated: 2022-03-10. Review status: criteria provided, single submitter. Criteria: Invitae Variant Classification Sherloc (09022015). Collection method: clinical testing. Allele origin: germline.
Comment: In summary, the available evidence is currently insufficient to determine the role of this variant in disease. Therefore, it has been classified as a Variant of Uncertain Significance. Advanced modeling of protein sequence and biophysical properties (such as structural, functional, and spatial information, amino acid conservation, physicochemical variation, residue mobility, and thermodynamic stability) performed at Invitae indicates that this missense variant is not expected to disrupt KCNV2 protein function. ClinVar contains an entry for this variant (Variation ID: 938354). This variant has not been reported in the literature in individuals affected with KCNV2-related conditions. This variant is not present in population databases (gnomAD no frequency). This sequence change replaces glutamine, which is neutral and polar, with glutamic acid, which is acidic and polar, at codon 374 of the KCNV2 protein (p.Gln374Glu).

NM_133497.4(KCNV2):c.1120C>G (p.Gln374Glu)

Gene: KCNV2 (potassium voltage-gated channel modifier subfamily V member 2; plus strand). Cytogenetic location: 9p24.2.
Variant type: single nucleotide variant.
Coding change: c.1120C>G on transcript NM_133497.4 (MANE Select); coding-DNA position 1120, C replaced by G.
Protein change: p.Gln374Glu; replaces glutamine 374 with glutamic acid.
Molecular consequence: missense variant.
Genome position (GRCh38, 1-based): chr9:2,718,859, C>G. VCF-style: chr9-2718859-C-G. GRCh37 (hg19) VCF-style: chr9-2718859-C-G.
Other names: short protein forms Q374E.
Identifiers: ClinVar variation 938354 (VCV000938354.9), dbSNP rs1313318182, ClinGen allele CA372801994.
Genomic context (GRCh38, chr9:2,718,859, plus strand): 5'-TGCTTCACGGGCGAGGGCCACCAACGCGGCCAGACGGTGGGCAGCGTGGGTAAGGTGGGT[C>G]AGGTGTTGCGCGTCATGCGCCTCATGCGCATCTTCCGCATCCTCAAGCTGGCGCGCCACT-3'
Protein context (NP_598004.1, residues 364-384): QTVGSVGKVG[Gln374Glu]VLRVMRLMRI